The following is an entry in ClinVar:

ClinVar aggregate classification (germline): Uncertain significance. Review status: criteria provided, multiple submitters, no conflicts (2 of 4 stars). 2 submissions from 2 submitters: Uncertain significance (2). Last evaluated 2025-04-01.

gnomAD v4.1: 1 of 1,518,370 alleles (0.000066%); highest among the groups gnomAD compares: African/African-American, 0.0014%; no homozygotes.

Submissions (2):

CeGaT Center for Human Genetics Tuebingen
Classification: Uncertain significance. Last evaluated: 2025-04-01. Review status: criteria provided, single submitter. Criteria: CeGaT Center For Human Genetics Tuebingen Variant Classification Criteria Version 2. Collection method: clinical testing. Allele origin: germline. Affected: yes. Observed: 1 variant allele.
Comment: TRIM71: PM2

Ambry Genetics
Classification: Uncertain significance. Last evaluated: 2023-01-06. Review status: criteria provided, single submitter. Criteria: Ambry Variant Classification Scheme 2023. Collection method: clinical testing. Allele origin: germline.

NM_001039111.3(TRIM71):c.583C>A (p.Arg195Ser)

Gene: TRIM71 (tripartite motif containing 71; plus strand). Cytogenetic location: 3p22.3.
Variant type: single nucleotide variant.
Coding change: c.583C>A on transcript NM_001039111.3 (MANE Select); coding-DNA position 583, C replaced by A.
Protein change: p.Arg195Ser; replaces arginine 195 with serine.
Molecular consequence: missense variant.
Genome position (GRCh38, 1-based): chr3:32,818,663, C>A. VCF-style: chr3-32818663-C-A. GRCh37 (hg19) VCF-style: chr3-32860155-C-A.
Other names: short protein forms R195S.
Identifiers: ClinVar variation 2473912 (VCV002473912.9), dbSNP rs761428558, ClinGen allele CA351988065.